The following is an entry in ClinVar:

ClinVar aggregate classification (germline): Uncertain significance (1 of 4 stars; one submission).

Conditions:
Hereditary cancer-predisposing syndrome. Also called: Neoplastic Syndromes, Hereditary; Tumor predisposition; Hereditary neoplastic syndrome; Hereditary Cancer Syndrome. Identifiers: Orphanet 140162, MedGen C0027672, MeSH D009386, MONDO:0015356.

gnomAD v4.1: 1 of 1,522,110 alleles (0.000066%); highest among the groups gnomAD compares: Non-Finnish European, 0.000091%; no homozygotes.

Submission:

Ambry Genetics
Classification: Uncertain significance for Hereditary cancer-predisposing syndrome. Last evaluated: 2024-01-09. Review status: criteria provided, single submitter. Criteria: Ambry Variant Classification Scheme 2023. Collection method: clinical testing. Allele origin: germline.
Comment: The p.E807D variant (also known as c.2421G>T), located in coding exon 16 of the PDGFRA gene, results from a G to T substitution at nucleotide position 2421. The glutamic acid at codon 807 is replaced by aspartic acid, an amino acid with highly similar properties. This amino acid position is conserved. In addition, the in silico prediction for this alteration is inconclusive. Since supporting evidence is limited at this time, the clinical significance of this alteration remains unclear.

NM_006206.6(PDGFRA):c.2421G>T (p.Glu807Asp)

Gene: PDGFRA (platelet derived growth factor receptor alpha; plus strand). Cytogenetic location: 4q12.
Variant type: single nucleotide variant.
Coding change: c.2421G>T on transcript NM_006206.6 (MANE Select); coding-DNA position 2421, G replaced by T.
Protein change: p.Glu807Asp; replaces glutamic acid 807 with aspartic acid.
Molecular consequence: missense variant.
Genome position (GRCh38, 1-based): chr4:54,285,468, G>T. VCF-style: chr4-54285468-G-T. GRCh37 (hg19) VCF-style: chr4-55151635-G-T.
Other names: c.2496G>T, p.Glu832Asp (NM_001347828.2); c.2421G>T, p.Glu807Asp (NM_001347829.2); c.2460G>T, p.Glu820Asp (NM_001347830.2); short protein forms E807D, E820D, E832D.
Identifiers: ClinVar variation 3225284 (VCV003225284.1), dbSNP rs144920596, ClinGen allele CA356894791.